The following is an entry in ClinVar:

NM_004369.4(COL6A3):c.6973C>G (p.Pro2325Ala)

Gene: COL6A3 (collagen type VI alpha 3 chain; minus strand). Cytogenetic location: 2q37.3.
Variant type: single nucleotide variant.
Coding change: c.6973C>G on transcript NM_004369.4 (MANE Select); coding-DNA position 6973, C replaced by G.
Protein change: p.Pro2325Ala; replaces proline 2325 with alanine.
Molecular consequence: missense variant.
Genome position (GRCh38, 1-based): chr2:237,347,863, G>C on the plus strand (C>G on the coding strand, the complement: COL6A3 is on the minus strand). VCF-style: chr2-237347863-G-C. GRCh37 (hg19) VCF-style: chr2-238256506-G-C.
Other names: c.5152C>G, p.Pro1718Ala (NM_057166.5); c.6355C>G, p.Pro2119Ala (NM_057167.4); short protein forms P1718A, P2119A, P2325A.
Identifiers: ClinVar variation 1013889 (VCV001013889.9), dbSNP rs886044392, ClinGen allele CA351207448.
Genomic context (GRCh38, chr2:237,347,863, plus strand): 5'-TTACCCTTCGGCCTCTGATGCCTTTGGGTCCTGTTGTTCCATTTAGCCCAGGTTCACCTG[G>C]GTTACCCTGGGAAGAAAGCCGAGAAGTGGCACAGTAAGCTTTGGAACAGAAGATCTCACT-3'
Protein context (NP_004360.2, residues 2315-2335): FPGYPGPKGN[Pro2325Ala]GEPGLNGTTG

ClinVar aggregate classification (germline): Uncertain significance (1 of 4 stars; one submission).

Conditions:
Bethlem myopathy 1A. Also called: Bethlem Muscular Dystrophy; MYOPATHY, BENIGN CONGENITAL, WITH CONTRACTURES; Bethlem myopathy 1. Identifiers: Orphanet 610, MedGen CN029274, MONDO:0024530, OMIM 158810.

Allele frequency attached by ClinVar (database versions not stated): TOPMed 0.00003.
gnomAD v4.1: 14 of 1,609,674 alleles (0.00087%); highest among the groups gnomAD compares: African/African-American, 0.0013%; no homozygotes.

Submission:

Labcorp Genetics (formerly Invitae), Labcorp
Classification: Uncertain significance for Bethlem myopathy 1A. Last evaluated: 2020-12-03. Review status: criteria provided, single submitter. Criteria: Invitae Variant Classification Sherloc (09022015). Collection method: clinical testing. Allele origin: germline.
Comment: In summary, the available evidence is currently insufficient to determine the role of this variant in disease. Therefore, it has been classified as a Variant of Uncertain Significance. Experimental studies and prediction algorithms are not available or were not evaluated, and the functional significance of this variant is currently unknown. This variant has not been reported in the literature in individuals with COL6A3-related conditions. This variant is not present in population databases (ExAC no frequency). This sequence change replaces proline with alanine at codon 2325 of the COL6A3 protein (p.Pro2325Ala). The proline residue is moderately conserved and there is a small physicochemical difference between proline and alanine.